The following is an entry in ClinVar:

NM_006610.4(MASP2):c.891G>A (p.Ala297=)

Gene: MASP2 (MBL associated serine protease 2; minus strand). Cytogenetic location: 1p36.22.
Variant type: single nucleotide variant.
Coding change: c.891G>A on transcript NM_006610.4 (MANE Select); coding-DNA position 891, G replaced by A.
Protein change: p.Ala297=; no amino-acid change (alanine 297 retained).
Molecular consequence: synonymous variant.
Genome position (GRCh38, 1-based): chr1:11,037,810, C>T on the plus strand (G>A on the coding strand, the complement: MASP2 is on the minus strand). VCF-style: chr1-11037810-C-T. GRCh37 (hg19) VCF-style: chr1-11097867-C-T.
Identifiers: ClinVar variation 291790 (VCV000291790.8), dbSNP rs12142107, ClinGen allele CA586883.

ClinVar aggregate classification (germline): Benign/Likely benign. Review status: criteria provided, multiple submitters, no conflicts (2 of 4 stars). 4 submissions from 4 submitters: Benign (3); Likely benign (1). Last evaluated 2026-01-21.

Conditions:
Immunodeficiency due to MASP-2 deficiency. Also called: MASP2 deficiency; LECTIN COMPLEMENT ACTIVATION PATHWAY, DEFECT IN, 2. Identifiers: Orphanet 331187, MedGen C3151085, MONDO:0013423, OMIM 613791.

Allele frequency attached by ClinVar (database versions not stated): gnomAD exomes 0.05841; ExAC 0.06177; ESP Exome Variant Server 0.08350; gnomAD 0.08579 and 0.08583; TOPMed 0.09534; 1000 Genomes Project 30x 0.13101; 1000 Genomes Project 0.13139.
gnomAD v4.1: 64,783 of 1,597,970 alleles (4.1%); highest among the groups gnomAD compares: African/African-American, 22%; 3,350 homozygotes.

Submissions (4):

Women's Health and Genetics/Laboratory Corporation of America, LabCorp
Classification: Benign. Last evaluated: 2026-01-21. Review status: criteria provided, single submitter. Criteria: LabCorp Variant Classification Summary - May 2015. Collection method: clinical testing. Allele origin: germline.

Blueprint Genetics
Classification: Likely benign. Last evaluated: 2024-11-26. Review status: criteria provided, single submitter. Criteria: ACMG Guidelines, 2015. Collection method: clinical testing. Allele origin: germline.

Illumina Laboratory Services, Illumina
Classification: Benign for Immunodeficiency due to MASP-2 deficiency. Last evaluated: 2018-01-12. Review status: criteria provided, single submitter. Criteria: ICSL Variant Classification Criteria 13 December 2019. Collection method: clinical testing. Allele origin: germline.
Comment: This variant was observed in the ICSL laboratory as part of a predisposition screen in an ostensibly healthy population. It had not been previously curated by ICSL or reported in the Human Gene Mutation Database (HGMD: prior to June 1st, 2018), and was therefore a candidate for classification through an automated scoring system. Utilizing variant allele frequency, disease prevalence and penetrance estimates, and inheritance mode, an automated score was calculated to assess if this variant is too frequent to cause the disease. Based on the score and internal cut-off values, a variant classified as benign is not then subjected to further curation. The score for this variant resulted in a classification of benign for this disease.

Breakthrough Genomics
Classification: Benign. Review status: criteria provided, single submitter. Criteria: ACMG Guidelines, 2015. Collection method: not provided. Allele origin: germline. Inheritance: Autosomal recessive inheritance. Affected: yes.